The following is an entry in ClinVar:

NM_005257.6(GATA6):c.2T>A (p.Met1Lys)

Gene: GATA6 (GATA binding protein 6; plus strand). Cytogenetic location: 18q11.2.
Variant type: single nucleotide variant.
Coding change: c.2T>A on transcript NM_005257.6 (MANE Select); coding-DNA position 2, T replaced by A.
Protein change: p.Met1Lys; changes the start codon (methionine 1).
Molecular consequence: missense variant, initiator codon variant.
Genome position (GRCh38, 1-based): chr18:22,171,146, T>A. VCF-style: chr18-22171146-T-A. GRCh37 (hg19) VCF-style: chr18-19751107-T-A.
Other names: short protein forms M1K.
Identifiers: ClinVar variation 2735793 (VCV002735793.3), dbSNP rs2510624920, ClinGen allele CA401798262.
Genomic context (GRCh38, chr18:22,171,146, plus strand): 5'-CGTCTCCCCCACCCCACCTCAGGAGCTAGACGTCAGCTTGGAGCGGCGCCGGACCGTGGA[T>A]GGCCTTGACTGACGGCGGCTGGTGCTTGCCGAAGCGCTTCGGGGCCGCGGGTGCGGACGC-3'
Protein context (NP_005248.2, residues 1-11): [Met1Lys]ALTDGGWCLP

ClinVar aggregate classification (germline): Uncertain significance (1 of 4 stars; one submission).

Conditions:
Atrioventricular septal defect 5 (AVSD5). Identifiers: MedGen C3280939, MONDO:0013769, OMIM 614474.

Allele frequency attached by ClinVar (database versions not stated): gnomAD exomes 0.00001.

Submission:

Labcorp Genetics (formerly Invitae), Labcorp
Classification: Uncertain significance for Atrioventricular septal defect 5. Last evaluated: 2022-11-22. Review status: criteria provided, single submitter. Criteria: Invitae Variant Classification Sherloc (09022015). Collection method: clinical testing. Allele origin: germline.
Comment: In summary, the available evidence is currently insufficient to determine the role of this variant in disease. Therefore, it has been classified as a Variant of Uncertain Significance. Experimental studies and prediction algorithms are not available or were not evaluated, and the functional significance of this variant is currently unknown. This variant has not been reported in the literature in individuals affected with GATA6-related conditions. This variant is not present in population databases (gnomAD no frequency). This sequence change affects the initiator methionine of the GATA6 mRNA. The next in-frame methionine is located at codon 147.